The following is an entry in ClinVar:

ClinVar aggregate classification (germline): Uncertain significance. Review status: criteria provided, multiple submitters, no conflicts (2 of 4 stars). 2 submissions from 2 submitters: Uncertain significance (2). Last evaluated 2025-07-15.

Conditions:
TTN-related disorder. Also called: TTN-related disorders; TTN-related condition; TTN-related disease.

Allele frequency attached by ClinVar (database versions not stated): gnomAD exomes 0.00001 and 0.00002; TOPMed 0.00001; ExAC 0.00003.
gnomAD v4.1: 10 of 1,613,342 alleles (0.00062%); highest among the groups gnomAD compares: East Asian, 0.0089%; no homozygotes.

Submissions (2):

PreventionGenetics, part of Exact Sciences
Classification: Uncertain significance for TTN-related condition. Last evaluated: 2025-07-15. Review status: criteria provided, single submitter. Criteria: ACMG Guidelines, 2015. Collection method: clinical testing. Allele origin: germline.
Comment: The TTN c.60571A>C variant is predicted to result in the amino acid substitution p.Ile20191Leu. To our knowledge, this variant has not been reported in the literature. This variant is reported in 0.022% of alleles in individuals of East Asian descent in gnomAD. At this time, the clinical significance of this variant is uncertain due to the absence of conclusive functional and genetic evidence.

Laboratory for Molecular Medicine, Mass General Brigham Personalized Medicine
Classification: Uncertain significance. Last evaluated: 2015-12-18. Review status: criteria provided, single submitter. Criteria: LMM Criteria. Collection method: clinical testing. Allele origin: germline. Observed: 1 variant allele.
Comment: The p.Ile17623Leu variant in TTN has not been previously reported in individuals with cardiomyopathy, but has been identified in 3/8504 of East Asian chromosome s and 1/16496 South Asian chromosomes by the Exome Aggregation Consortium (ExAC). Computational prediction tools and conservatio n analysis do not provide strong support for or against an impact to the protein . In summary, the clinical significance of the p.Ile17623Leu variant is uncertai n.

NM_001267550.2(TTN):c.60571A>C (p.Ile20191Leu)

Genes: TTN-AS1 (TTN antisense RNA 1; plus strand), TTN (titin; minus strand). Cytogenetic location: 2q31.2.
Variant type: single nucleotide variant.
Coding change: c.60571A>C on transcript NM_001267550.2 (MANE Select); coding-DNA position 60571, A replaced by C.
Protein change: p.Ile20191Leu; replaces isoleucine 20191 with leucine.
Molecular consequence: missense variant. On other transcripts: non-coding transcript variant (1).
Genome position (GRCh38, 1-based): chr2:178,591,154, T>G on the plus strand (A>C on the coding strand, the complement: TTN is on the minus strand). VCF-style: chr2-178591154-T-G. GRCh37 (hg19) VCF-style: chr2-179455881-T-G.
Other names: c.52867A>C, p.Ile17623Leu (NM_133378.4); c.55648A>C, p.Ile18550Leu (NM_001256850.1); c.33376A>C, p.Ile11126Leu (NM_003319.4); c.33751A>C, p.Ile11251Leu (NM_133432.3); c.33952A>C, p.Ile11318Leu (NM_133437.4); short protein forms I17623L, I20191L, I18550L, I11126L, I11251L, I11318L.
Identifiers: ClinVar variation 229481 (VCV000229481.6), dbSNP rs745806239, ClinGen allele CA1992472.